The following is an entry in ClinVar:

NM_020166.5(MCCC1):c.874-1G>T

Gene: MCCC1 (methylcrotonyl-CoA carboxylase subunit 1; minus strand). Cytogenetic location: 3q27.1.
Variant type: single nucleotide variant.
Coding change: c.874-1G>T on transcript NM_020166.5 (MANE Select); the canonical splice acceptor site of the intron before coding-DNA position 874, G replaced by T.
Molecular consequence: splice acceptor variant.
Genome position (GRCh38, 1-based): chr3:183,052,241, C>A on the plus strand (G>T on the coding strand, the complement: MCCC1 is on the minus strand). VCF-style: chr3-183052241-C-A. GRCh37 (hg19) VCF-style: chr3-182770029-C-A.
Other names: c.874-1G>T (NM_020166.4); c.547-1G>T (NM_001363880.1); c.523-1G>T (NM_001293273.2).
Identifiers: ClinVar variation 3683297 (VCV003683297.3).

ClinVar aggregate classification (germline): Pathogenic/Likely pathogenic. Review status: criteria provided, multiple submitters, no conflicts (2 of 4 stars). 2 submissions from 2 submitters: Pathogenic (1); Likely pathogenic (1). Last evaluated 2024-06-23.

Conditions:
3-methylcrotonyl-CoA carboxylase 1 deficiency (MCC1D). Also called: MCCD TYPE 1; METHYLCROTONYLGLYCINURIA TYPE I; MCC 1 deficiency; 3 Alpha methylcrotonylglycinuria 1. Identifiers: Orphanet 6, MedGen CN028786, MONDO:0008861, OMIM 210200.

Submissions (2):

Labcorp Genetics (formerly Invitae), Labcorp
Classification: Likely pathogenic for 3-methylcrotonyl-CoA carboxylase 1 deficiency. Last evaluated: 2024-06-23. Review status: criteria provided, single submitter. Criteria: Invitae Variant Classification Sherloc (09022015). Collection method: clinical testing. Allele origin: germline.
Comment: This sequence change affects an acceptor splice site in intron 8 of the MCCC1 gene. It is expected to disrupt RNA splicing. Variants that disrupt the donor or acceptor splice site typically lead to a loss of protein function (PMID: 16199547), and loss-of-function variants in MCCC1 are known to be pathogenic (PMID: 11181649, 15359379, 22642865). This variant is not present in population databases (gnomAD no frequency). Disruption of this splice site has been observed in individual(s) with a positive newborn screening result for MCCC1-related disease (PMID: 31901042). Algorithms developed to predict the effect of sequence changes on RNA splicing suggest that this variant may disrupt the consensus splice site. In summary, the currently available evidence indicates that the variant is pathogenic, but additional data are needed to prove that conclusively. Therefore, this variant has been classified as Likely Pathogenic.

Clinical Genetics Service, Universitary Hospital 12 de Octubre
Classification: Pathogenic for 3-methylcrotonyl-CoA carboxylase 1 deficiency. Review status: criteria provided, single submitter. Criteria: ACMG Guidelines, 2015. Collection method: clinical testing. Allele origin: paternal. Affected: no.

Literature cited by the submitters: PubMed 16199547 (cited by Labcorp Genetics (formerly Invitae), Labcorp); PubMed 11181649 (cited by Labcorp Genetics (formerly Invitae), Labcorp); PubMed 15359379 (cited by Labcorp Genetics (formerly Invitae), Labcorp); PubMed 22642865 (cited by Labcorp Genetics (formerly Invitae), Labcorp); PubMed 31901042 (cited by Labcorp Genetics (formerly Invitae), Labcorp).